The following is an entry in ClinVar:

NM_000321.3(RB1):c.172A>G (p.Thr58Ala)

Gene: RB1 (RB transcriptional corepressor 1; plus strand). Cytogenetic location: 13q14.2.
Variant type: single nucleotide variant.
Coding change: c.172A>G on transcript NM_000321.3 (MANE Select); coding-DNA position 172, A replaced by G.
Protein change: p.Thr58Ala; replaces threonine 58 with alanine.
Molecular consequence: missense variant.
Genome position (GRCh38, 1-based): chr13:48,307,314, A>G. VCF-style: chr13-48307314-A-G. GRCh37 (hg19) VCF-style: chr13-48881450-A-G.
Other names: short protein forms T58A.
Identifiers: ClinVar variation 819926 (VCV000819926.14), dbSNP rs1593414365, ClinGen allele CA388250499.

ClinVar aggregate classification (germline): Uncertain significance. Review status: criteria provided, multiple submitters, no conflicts (2 of 4 stars). 3 submissions from 3 submitters: Uncertain significance (3). Last evaluated 2025-11-22.

Conditions:
Hereditary cancer-predisposing syndrome. Also called: Neoplastic Syndromes, Hereditary; Tumor predisposition; Hereditary Cancer Syndrome; Hereditary neoplastic syndrome. Identifiers: Orphanet 140162, MedGen C0027672, MeSH D009386, MONDO:0015356.
Retinoblastoma (RB1). Also called: RETINOBLASTOMA, SOMATIC. Identifiers: Orphanet 790, MedGen C0035335, MeSH D012175, MONDO:0008380, OMIM 180200, HP:0009919. Disease mechanism: loss of function. Inheritance: Both sporadic and heritable forms are tested..

Allele frequency attached by ClinVar (database versions not stated): TOPMed 0.00002.

Submissions (3):

Labcorp Genetics (formerly Invitae), Labcorp
Classification: Uncertain significance for Retinoblastoma. Last evaluated: 2025-11-22. Review status: criteria provided, single submitter. Criteria: Invitae Variant Classification Sherloc (09022015). Collection method: clinical testing. Allele origin: germline.
Comment: This sequence change replaces threonine, which is neutral and polar, with alanine, which is neutral and non-polar, at codon 58 of the RB1 protein (p.Thr58Ala). This variant is not present in population databases (gnomAD no frequency). This variant has not been reported in the literature in individuals affected with RB1-related conditions. ClinVar contains an entry for this variant (Variation ID: 819926). Invitae Evidence Modeling of protein sequence and biophysical properties (such as structural, functional, and spatial information, amino acid conservation, physicochemical variation, residue mobility, and thermodynamic stability) indicates that this missense variant is not expected to disrupt RB1 protein function with a negative predictive value of 80%. In summary, the available evidence is currently insufficient to determine the role of this variant in disease. Therefore, it has been classified as a Variant of Uncertain Significance.

Ambry Genetics
Classification: Uncertain significance for Hereditary cancer-predisposing syndrome. Last evaluated: 2024-08-17. Review status: criteria provided, single submitter. Criteria: Ambry Variant Classification Scheme 2023. Collection method: clinical testing. Allele origin: germline.
Comment: The p.T58A variant (also known as c.172A>G), located in coding exon 2 of the RB1 gene, results from an A to G substitution at nucleotide position 172. The threonine at codon 58 is replaced by alanine, an amino acid with similar properties. This amino acid position is not well conserved in available vertebrate species. In addition, this alteration is predicted to be tolerated by in silico analysis. Since supporting evidence is limited at this time, the clinical significance of this alteration remains unclear.

All of Us Research Program, National Institutes of Health
Classification: Uncertain significance for Retinoblastoma. Last evaluated: 2023-11-30. Review status: criteria provided, single submitter. Criteria: ACMG Guidelines, 2015. Collection method: clinical testing. Allele origin: germline. Inheritance: Autosomal dominant inheritance. Observed: 3 variant alleles, 3 heterozygotes.
Comment: This missense variant replaces threonine with alanine at codon 58 of the RB1 protein. Computational prediction suggests that this variant may not impact protein structure and function (internally defined REVEL score threshold <= 0.5, PMID: 27666373). To our knowledge, functional studies have not been reported for this variant. This variant has not been reported in individuals affected with RB1-related disorders in the literature. This variant has not been identified in the general population by the Genome Aggregation Database (gnomAD). The available evidence is insufficient to determine the role of this variant in disease conclusively. Therefore, this variant is classified as a Variant of Uncertain Significance.

This study involves interpretation of variants in research participants for the purpose of population health screening. Participant phenotype was not available at the time of variant classification. Additional details can be found in publication PMID: 35346344, PMCID: PMC8962531